The following continues an entry in ClinVar:

NM_000169.3(GLA):c.644A>G (p.Asn215Ser)

ClinVar aggregate classification (germline): Pathogenic. Pathogenic (25).

Submissions 21 to 28 of 28:

Broad Center for Mendelian Genomics, Broad Institute of MIT and Harvard
Classification: Pathogenic for Fabry disease. Last evaluated: 2020-01-22. Review status: criteria provided, single submitter. Criteria: ACMG Guidelines, 2015. Collection method: curation. Allele origin: germline. Inheritance: X-linked inheritance.
Comment: The p.Asn215Ser variant in GLA has been reported in at least 15 individuals from the literature with Fabry Disease (PMID:21598360, 10666480, 26047621, 23935525, 29621274), segregated with disease in 6 affected relatives from 1 family (PMID: 23818648), and has been identified in 0.001221% (1/81881) of European (non-Finnish) chromosomes by the Genome Aggregation Database (gnomAD; dbSNP rs28935197). Although this variant has been seen in the general population, its frequency is low enough to be consistent with Fabry disease. Please note that for diseases with clinical variability, or reduced penetrance, pathogenic variants may be present at a low frequency in the general population. This variant has also been reported in ClinVar as pathogenic by multiple sources including Eurofins Clinical Diagnostics, Ambry Genetics, Fulgent Genetics, GeneDx, Invitae, Laboratory for Molecular Medicine (Partners Healthcare), Mayo Clinic, and OMIM (VariationID:10730). In vitro functional studies provide evidence of decreased enzymatic activity and protein stability, and therefore the p.Asn215Ser variant may impact protein function (PMID: 23935525, 23568732, 21972175, 21598360, 17555407,15702404, 16773563). However, these types of assays may not accurately represent biological function. Computational prediction tools and conservation analyses suggest that this variant may impact the protein, though this information is not predictive enough to determine pathogenicity. The phenotype of an individual hemizygous for this variant is highly specific for Fabry disease based on the classic phenotype consistent with disease (PMID: 30023289, 29621274,15895718, 7504405, 27532257, 26047621, 23935525, 15702404, 10666480, 7911050, 15091117, 11914245, 11531969, 18849176, 15712228, 21062768, 16773563, 23568732, 8395937). In summary, this variant meets criteria to be classified as pathogenic for Fabry disease based on multiple reports in the literature and ClinVar, reduced enzymatic activity in functional studies, low frequency in the general populaiton, and computational and conservation data. ACMG/AMP Criteria applied: PP4_moderate, PS3_Moderate, PS4, PP3, PP1, PM2_supporting (Richards 2015).

X-linked inheritance (primarily recessive with milder female expression)

Women's Health and Genetics/Laboratory Corporation of America, LabCorp
Classification: Pathogenic for Fabry disease. Last evaluated: 2019-04-08. Review status: criteria provided, single submitter. Criteria: LabCorp Variant Classification Summary - May 2015. Collection method: clinical testing. Allele origin: germline.
Comment: Variant summary: GLA c.644A>G (p.Asn215Ser) results in a conservative amino acid change in the encoded protein sequence. Three of five in-silico tools predict a damaging effect of the variant on protein function. The variant allele was found at a frequency of 5.6e-06 in 178708 control chromosomes (gnomAD). c.644A>G has been reported in the literature in multiple individuals affected with Fabry Disease. The variant has been identified in numerous patients and families with Fabry disease and is considered a known recurrent mutation that is associated with later-onset disease. A recent multi-center study of 125 Fabry disease patients with this mutation reported their study "confirms that p.N215S is a disease-causing Fabry mutation with severe clinical manifestations essentially limited to the heart until late adulthood, especially in males."(Germain_2018) Six ClinVar submissions from clinical diagnostic laboratories (evaluation after 2014) cite the variant as pathogenic. Based on the evidence outlined above, the variant was classified as pathogenic.

Eurofins Ntd Llc (ga)
Classification: Pathogenic. Last evaluated: 2018-08-22. Review status: criteria provided, single submitter. Criteria: EGL ClinVar v180209 classification definitions. Collection method: clinical testing. Allele origin: germline. Observed: 78 variant alleles, 47 heterozygotes, 1 homozygote, 30 hemizygotes.

Stanford Center for Inherited Cardiovascular Disease, Stanford University
Classification: Pathogenic. Last evaluated: 2016-06-06. Review status: criteria provided, single submitter. Criteria: ACMG Guidelines, 2015. Collection method: provider interpretation. Allele origin: germline.

Laboratory for Molecular Medicine, Mass General Brigham Personalized Medicine
Classification: Pathogenic for Hypertrophic cardiomyopathy; Fabry disease. Last evaluated: 2014-04-02. Review status: criteria provided, single submitter. Criteria: LMM Criteria. Collection method: clinical testing. Allele origin: germline. Inheritance: X-linked inheritance. Observed: 7 variant alleles.
Comment: The p.Asn215Ser variant in GLA has been reported in >20 individuals, both male a nd female, with a clinical diagnosis of HCM and/or cardiac Fabry disease, and at least one male with features of classic Fabry disease (Davies 1993, Eng 1994, T opalaglu 1999, Walsh 2017, Oder 2017, LMM unpublished data). This variant has be en identified in 1/80091 of European chromosomes by the Genome Aggregation Datab ase (gnomAD; dbSNP rs28935197). Multiple funct ional studies have shown that the p.Asn215Ser variant protein has reduced enzyma tic activity (Mills 2005, Ishii 2007, Wu 2011, Ebrahim 2012, Tian 2013). This va riant has also been reported in ClinVar (Variation ID#10730). In summary, this v ariant meets criteria to be classified as pathogenic for hypertrophic cardiomyop athy based upon presence in probands, very low frequency in controls, and functi onal evidence. ACMG criteria applied: PS3, PM2, PS4

Clinical Genetics Laboratory, University Hospital Schleswig-Holstein
Classification: Pathogenic for Fabry disease. Last evaluated: 2024-02-16. Review status: no assertion criteria provided. Collection method: clinical testing. Allele origin: germline. Affected: yes. Not counted in ClinVar's aggregate classification.

Mayo Clinic Laboratories, Mayo Clinic
Classification: Pathogenic. Last evaluated: 2017-02-27. Review status: no assertion criteria provided. Collection method: clinical testing. Allele origin: unknown. Not counted in ClinVar's aggregate classification.

OMIM
Classification: Pathogenic for FABRY DISEASE. Last evaluated: 1993-12-01. Review status: no assertion criteria provided. Collection method: literature only. Allele origin: germline. Not counted in ClinVar's aggregate classification.

Literature cited by the submitters: PubMed 29621274 (cited by 3 submitters); PubMed 39161721 (cited by Genomenon, Inc and Color Diagnostics, LLC DBA Color Health); PubMed 24395922 (cited by Genomenon, Inc); PubMed 27979989 (cited by Genomenon, Inc); PubMed 35977816 (cited by Genomenon, Inc); PubMed 16773563 (cited by 7 submitters); PubMed 19808286 (cited by Genomenon, Inc); PubMed 33915609 (cited by Genomenon, Inc); PubMed 28943383 (cited by 4 submitters); PubMed 36087038 (cited by 3 submitters); PubMed 20691627 (cited by Genomenon, Inc); PubMed 26362204 (cited by Genomenon, Inc and Natera, Inc.); PubMed 30023289 (cited by Genomenon, Inc and Ambry Genetics); PubMed 26384850 (cited by Genomenon, Inc); PubMed 38234860 (cited by Genomenon, Inc and Color Diagnostics, LLC DBA Color Health); PubMed 32435590 (cited by 5 submitters); PubMed 23546814 (cited by Genomenon, Inc); PubMed 15886492 (cited by Genomenon, Inc); PubMed 36140787 (cited by Genomenon, Inc); PubMed 5512362 (cited by Genomenon, Inc); PubMed 40898253 (cited by Genomenon, Inc); PubMed 7504405 (cited by 3 submitters); PubMed 10666480 (cited by Genomenon, Inc and Laboratory for Molecular Medicine, Mass General Brigham Personalized Medicine); PubMed 26070511 (cited by Genomenon, Inc); PubMed 11531969 (cited by Genomenon, Inc and Labcorp Genetics (formerly Invitae), Labcorp); PubMed 31010832 (cited by Genomenon, Inc and Natera, Inc.); PubMed 18651238 (cited by Genomenon, Inc); PubMed 36143092 (cited by Genomenon, Inc); PubMed 17555407 (cited by 6 submitters); PubMed 28351893 (cited by Genomenon, Inc); PubMed 18698230 (cited by Genomenon, Inc); PubMed 8395937 (cited by 6 submitters); PubMed 11914245 (cited by Labcorp Genetics (formerly Invitae), Labcorp); PubMed 15091117 (cited by Labcorp Genetics (formerly Invitae), Labcorp); PubMed 15702404 (cited by Labcorp Genetics (formerly Invitae), Labcorp and Laboratory for Molecular Medicine, Mass General Brigham Personalized Medicine); PubMed 15712228 (cited by Labcorp Genetics (formerly Invitae), Labcorp); PubMed 18849176 (cited by 3 submitters); PubMed 21598360 (cited by 6 submitters); PubMed 9620884 (cited by Color Diagnostics, LLC DBA Color Health and All of Us Research Program, National Institutes of Health); PubMed 15003450 (cited by Color Diagnostics, LLC DBA Color Health and All of Us Research Program, National Institutes of Health); PubMed 29649853 (cited by 4 submitters); PubMed 32150461 (cited by Color Diagnostics, LLC DBA Color Health and All of Us Research Program, National Institutes of Health); PubMed 32432376 (cited by Color Diagnostics, LLC DBA Color Health and All of Us Research Program, National Institutes of Health); PubMed 32963035 (cited by Color Diagnostics, LLC DBA Color Health and All of Us Research Program, National Institutes of Health); PubMed 33335842 (cited by Color Diagnostics, LLC DBA Color Health and All of Us Research Program, National Institutes of Health); PubMed 33807900 (cited by Color Diagnostics, LLC DBA Color Health and All of Us Research Program, National Institutes of Health); PubMed 35035949 (cited by Color Diagnostics, LLC DBA Color Health and All of Us Research Program, National Institutes of Health); PubMed 37205992 (cited by Color Diagnostics, LLC DBA Color Health); PubMed 37480128 (cited by Color Diagnostics, LLC DBA Color Health); PubMed 38002959 (cited by Color Diagnostics, LLC DBA Color Health); PubMed 39348817 (cited by Color Diagnostics, LLC DBA Color Health); PubMed 21972175 (cited by 3 submitters); PubMed 23568732 (cited by Ambry Genetics and Laboratory for Molecular Medicine, Mass General Brigham Personalized Medicine); PubMed 23818648 (cited by Ambry Genetics and Natera, Inc.); PubMed 24582695 (cited by Ambry Genetics); PubMed 26047621 (cited by Ambry Genetics); PubMed 27532257 (cited by Ambry Genetics and Laboratory for Molecular Medicine, Mass General Brigham Personalized Medicine); PubMed 28988177 (cited by Ambry Genetics); PubMed 29018006 (cited by 4 submitters); PubMed 30386727 (cited by Ambry Genetics); PubMed 30477121 (cited by Ambry Genetics); PubMed 31996269 (cited by Ambry Genetics); PubMed 32042454 (cited by Ambry Genetics); PubMed 8878432 (cited by Victorian Clinical Genetics Services, Murdoch Childrens Research Institute); PubMed 31613176 (cited by Victorian Clinical Genetics Services, Murdoch Childrens Research Institute); PubMed 23332617 (cited by Women's Health and Genetics/Laboratory Corporation of America, LabCorp); PubMed 7911050 (cited by Laboratory for Molecular Medicine, Mass General Brigham Personalized Medicine).